The following is an entry in ClinVar:

NC_000019.9:g.(?_863072)_(863238_?)del

Gene: CFD (complement factor D; plus strand). Cytogenetic location: 19p13.3.
Variant type: Deletion.
Identifiers: ClinVar variation 2424323 (VCV002424323.4).

ClinVar aggregate classification (germline): Uncertain significance (1 of 4 stars; one submission).

Submission:

Labcorp Genetics (formerly Invitae), Labcorp
Classification: Uncertain significance. Last evaluated: 2022-06-28. Review status: criteria provided, single submitter. Criteria: Invitae Variant Classification Sherloc (09022015). Collection method: clinical testing. Allele origin: germline.
Comment: In summary, the available evidence is currently insufficient to determine the role of this variant in disease. Therefore, it has been classified as a Variant of Uncertain Significance. This variant disrupts a region of the CFD protein in which other variant(s) (p.Leu218Pro) have been observed in individuals with CFD-related conditions (PMID: 31440263). This suggests that this is a clinically significant region of the protein, and that variants that disrupt it are likely to be disease-causing. Experimental studies and prediction algorithms are not available or were not evaluated, and the functional significance of this variant is currently unknown. This variant has not been reported in the literature in individuals affected with CFD-related conditions. This variant is a gross deletion of the genomic region encompassing exon(s) 5 of the CFD gene, which includes the termination codon. This deletion extends beyond the assayed region for this gene and therefore may encompass additional genes. While this deletion is not anticipated to lead to nonsense mediated decay, it is expected to alter mRNA translation or result in a truncated protein product.

Literature cited by the submitters: PubMed 31440263.